The following is an entry in ClinVar:

NM_001042492.3(NF1):c.4333-1G>T

Gene: NF1 (neurofibromin 1; plus strand). Cytogenetic location: 17q11.2.
Variant type: single nucleotide variant.
Coding change: c.4333-1G>T on transcript NM_001042492.3 (MANE Select); the canonical splice acceptor site of the intron before coding-DNA position 4333, G replaced by T.
Molecular consequence: splice acceptor variant.
Genome position (GRCh38, 1-based): chr17:31,259,031, G>T. VCF-style: chr17-31259031-G-T. GRCh37 (hg19) VCF-style: chr17-29586049-G-T.
Other names: c.4270-1G>T (NM_000267.4).
Identifiers: ClinVar variation 1072744 (VCV001072744.5), dbSNP rs1418965797, ClinGen allele CA398998672.

ClinVar aggregate classification (germline): Pathogenic. Review status: criteria provided, multiple submitters, no conflicts (2 of 4 stars). 2 submissions from 2 submitters: Pathogenic (2). Last evaluated 2025-09-27.

Conditions:
Hereditary cancer-predisposing syndrome. Also called: Neoplastic Syndromes, Hereditary; Hereditary neoplastic syndrome; Tumor predisposition; Hereditary Cancer Syndrome. Identifiers: Orphanet 140162, MedGen C0027672, MeSH D009386, MONDO:0015356.
Cardiovascular phenotype. Identifiers: MedGen CN230736.
Neurofibromatosis, type 1 (NF1). Also called: VON RECKLINGHAUSEN DISEASE; Peripheral type neurofibromatosis; NEUROFIBROMATOSIS, TYPE I, SOMATIC; Neurofibromatosis, type I. Identifiers: Orphanet 636, MedGen C0027831, MONDO:0018975, OMIM 162200. Disease mechanism: loss of function.

Submissions (2):

Labcorp Genetics (formerly Invitae), Labcorp
Classification: Pathogenic for Neurofibromatosis, type 1. Last evaluated: 2025-09-27. Review status: criteria provided, single submitter. Criteria: Invitae Variant Classification Sherloc (09022015). Collection method: clinical testing. Allele origin: germline.
Comment: This sequence change affects an acceptor splice site in intron 31 of the NF1 gene. It is expected to disrupt RNA splicing. Variants that disrupt the donor or acceptor splice site typically lead to a loss of protein function (PMID: 16199547), and loss-of-function variants in NF1 are known to be pathogenic (PMID: 10712197, 23913538). This variant is not present in population databases (gnomAD no frequency). Disruption of this splice site has been observed in individuals with neurofibromatosis type 1 (PMID: 18800150, 23913538). ClinVar contains an entry for this variant (Variation ID: 1072744). Algorithms developed to predict the effect of sequence changes on RNA splicing suggest that this variant may disrupt the consensus splice site. For these reasons, this variant has been classified as Pathogenic.

Ambry Genetics
Classification: Pathogenic for Cardiovascular phenotype; Hereditary cancer-predisposing syndrome. Last evaluated: 2025-06-26. Review status: criteria provided, single submitter. Criteria: Ambry Variant Classification Scheme 2023. Collection method: clinical testing. Allele origin: germline.
Comment: The c.4270-1G>T intronic pathogenic mutation results from a G to T substitution one nucleotide upstream from coding exon 32 of the NF1 gene. This variant was reported in individual(s) with features consistent with neurofibromatosis type 1 (Ambry internal data). Other variant(s) impacting the same acceptor site (c.4270-2A>C) have been identified in individual(s) with features consistent with neurofibromatosis type 1 (Ambry internal data). This nucleotide position is highly conserved in available vertebrate species. In silico splice site analysis predicts that this alteration will weaken the native splice acceptor site and will result in the creation or strengthening of a novel splice acceptor site. RNA studies have demonstrated that this alteration results in abnormal splicing in the set of samples tested (Ambry internal data). This variant is considered to be rare based on population cohorts in the Genome Aggregation Database (gnomAD). Based on the supporting evidence, this variant is interpreted as a disease-causing mutation.

Literature cited by the submitters: PubMed 16199547 (cited by Labcorp Genetics (formerly Invitae), Labcorp); PubMed 10712197 (cited by Labcorp Genetics (formerly Invitae), Labcorp); PubMed 23913538 (cited by Labcorp Genetics (formerly Invitae), Labcorp); PubMed 18800150 (cited by Labcorp Genetics (formerly Invitae), Labcorp).